The following is an entry in ClinVar:

NM_001348323.3(TRIP12):c.4812A>G (p.Thr1604=)

Gene: TRIP12 (thyroid hormone receptor interactor 12; minus strand). Cytogenetic location: 2q36.3.
Variant type: single nucleotide variant.
Coding change: c.4812A>G on transcript NM_001348323.3 (MANE Select); coding-DNA position 4812, A replaced by G.
Protein change: p.Thr1604=; no amino-acid change (threonine 1604 retained).
Molecular consequence: synonymous variant.
Genome position (GRCh38, 1-based): chr2:229,788,824, T>C on the plus strand (A>G on the coding strand, the complement: TRIP12 is on the minus strand). VCF-style: chr2-229788824-T-C. GRCh37 (hg19) VCF-style: chr2-230653540-T-C.
Other names: c.4731A>G, p.Thr1577= (NM_001284214.2, NM_001348315.2); c.4686A>G, p.Thr1562= (NM_001284215.2, NM_001348316.2); c.3777A>G, p.Thr1259= (NM_001284216.2); c.4671A>G, p.Thr1557= (NM_001348317.1, NM_001348318.2); c.4797A>G, p.Thr1599= (NM_001348319.1, NM_001348320.2); c.4800A>G, p.Thr1600= (NM_001348321.1); c.4812A>G, p.Thr1604= (NM_001348322.1, NM_001348324.2, NM_001348325.2 and 2 more transcripts); c.4815A>G, p.Thr1605= (NM_001348328.1, NM_001348329.2, NM_001348330.2); and 5 more.
Identifiers: ClinVar variation 2571127 (VCV002571127.28), dbSNP rs149642198, ClinGen allele CA2152457.

ClinVar aggregate classification (germline): Benign. Review status: criteria provided, single submitter (1 of 4 stars). 2 submissions from 2 submitters: Benign (1). 1 of the submissions does not count toward it. Last evaluated 2026-04-01.

Conditions:
TRIP12-related disorder. Also called: TRIP12-related condition.

Allele frequency attached by ClinVar (database versions not stated): ESP Exome Variant Server 0.00015; TOPMed 0.00048; gnomAD 0.00076; gnomAD exomes 0.00116; 1000 Genomes Project 0.00200; 1000 Genomes Project 30x 0.00203; ExAC 0.00231.
gnomAD v4.1: 1,819 of 1,613,986 alleles (0.11%); highest among the groups gnomAD compares: South Asian, 1.4%; 21 homozygotes.

Submissions (2):

CeGaT Center for Human Genetics Tuebingen
Classification: Benign. Last evaluated: 2026-04-01. Review status: criteria provided, single submitter. Criteria: CeGaT Center For Human Genetics Tuebingen Variant Classification Criteria Version 2. Collection method: clinical testing. Allele origin: germline. Affected: yes. Observed: 12 variant alleles.
Comment: TRIP12: BP4, BP7, BS1, BS2

PreventionGenetics, part of Exact Sciences
Classification: Benign for TRIP12-related condition. Last evaluated: 2019-07-31. Review status: no assertion criteria provided. Collection method: clinical testing. Allele origin: germline. Not counted in ClinVar's aggregate classification.
Comment: This variant is classified as benign based on ACMG/AMP sequence variant interpretation guidelines (Richards et al. 2015 PMID: 25741868, with internal and published modifications).